The following is an entry in ClinVar:

NM_144499.3(GNAT1):c.808T>C (p.Phe270Leu)

Gene: GNAT1 (G protein subunit alpha transducin 1; plus strand). Cytogenetic location: 3p21.31.
Variant type: single nucleotide variant.
Coding change: c.808T>C on transcript NM_144499.3 (MANE Select); coding-DNA position 808, T replaced by C.
Protein change: p.Phe270Leu; replaces phenylalanine 270 with leucine.
Molecular consequence: missense variant.
Genome position (GRCh38, 1-based): chr3:50,194,600, T>C. VCF-style: chr3-50194600-T-C. GRCh37 (hg19) VCF-style: chr3-50232033-T-C.
Other names: c.808T>C, p.Phe270Leu (NM_000172.4); c.808T>C (NM_144499.2); short protein forms F270L.
Identifiers: ClinVar variation 1046612 (VCV001046612.7), dbSNP rs751585772, ClinGen allele CA2412719.

ClinVar aggregate classification (germline): Uncertain significance. Review status: criteria provided, multiple submitters, no conflicts (2 of 4 stars). 2 submissions from 2 submitters: Uncertain significance (2). Last evaluated 2025-01-27.

Conditions:
Inborn genetic diseases. Identifiers: MedGen C0950123, MeSH D030342.

Allele frequency attached by ClinVar (database versions not stated): ExAC 0.00001; gnomAD exomes 0.00001; TOPMed 0.00002.
gnomAD v4.1: 13 of 1,613,716 alleles (0.00081%); highest among the groups gnomAD compares: Middle Eastern, 0.017%; no homozygotes.

Submissions (2):

Labcorp Genetics (formerly Invitae), Labcorp
Classification: Uncertain significance. Last evaluated: 2025-01-27. Review status: criteria provided, single submitter. Criteria: Invitae Variant Classification Sherloc (09022015). Collection method: clinical testing. Allele origin: germline.
Comment: This sequence change replaces phenylalanine, which is neutral and non-polar, with leucine, which is neutral and non-polar, at codon 270 of the GNAT1 protein (p.Phe270Leu). This variant is present in population databases (rs751585772, gnomAD 0.002%). This variant has not been reported in the literature in individuals affected with GNAT1-related conditions. ClinVar contains an entry for this variant (Variation ID: 1046612). Invitae Evidence Modeling of protein sequence and biophysical properties (such as structural, functional, and spatial information, amino acid conservation, physicochemical variation, residue mobility, and thermodynamic stability) indicates that this missense variant is not expected to disrupt GNAT1 protein function with a negative predictive value of 80%. In summary, the available evidence is currently insufficient to determine the role of this variant in disease. Therefore, it has been classified as a Variant of Uncertain Significance.

Ambry Genetics
Classification: Uncertain significance for Inborn genetic diseases. Last evaluated: 2021-09-17. Review status: criteria provided, single submitter. Criteria: Ambry Variant Classification Scheme 2023. Collection method: clinical testing. Allele origin: germline.